The following continues an entry in ClinVar:

NM_000020.3(ACVRL1):c.1121G>A (p.Arg374Gln)

Gene: ACVRL1. ClinVar aggregate classification (germline): Pathogenic. Pathogenic (11).

Submissions 10 to 12 of 12:

Victorian Clinical Genetics Services, Murdoch Childrens Research Institute
Classification: Pathogenic for Telangiectasia, hereditary hemorrhagic, type 2. Last evaluated: 2022-02-02. Review status: criteria provided, single submitter. Criteria: ACMG Guidelines, 2015. Collection method: clinical testing. Allele origin: germline. Inheritance: Autosomal dominant inheritance.
Comment: Based on the classification scheme VCGS_Germline_v1.3.4, this variant is classified as Pathogenic. Following criteria are met: 0103 - Dominant negative and loss of function are known mechanisms of disease in this gene and are associated with hereditary hemorrhagic telangiectasia type 2 (MIM#600376). Protein truncating variants are known to cause disease through a loss of function mechanism, while missense variants have been associated with both loss of function and dominant negative mechanisms (PMIDs: 26176610, 16470589, 16282348). (I) 0107 - This gene is associated with autosomal dominant disease. (I) 0115 - Variants in this gene are known to have variable expressivity. Clinical expression is known to be extremely variable and age-dependent (PMID: 19767588). (I) 0200 - Variant is predicted to result in a missense amino acid change from arginine to glutamine. (I) 0251 - This variant is heterozygous. (I) 0302 - Variant is present in gnomAD (v3) <0.001 for a dominant condition (2 heterozygotes, 0 homozygotes). (SP) 0309 - An alternative amino acid change at the same position has been observed in gnomAD (v3) (1 heterozygote, 0 homozygotes). (I) 0502 - Missense variant with conflicting in silico predictions and uninformative conservation. (I) 0600 - Variant is located in the annotated kinase domain (PMID: 20501893). (I) 0701 - Other missense variants comparable to the one identified in this case have very strong previous evidence for pathogenicity. p.(Arg374Trp) has been reported in multiple families with hereditary hemorrhagic telangiectasia (HHT) and it is believed to have resulted from a founder effect (ClinVar; PMID: 33919892). In addition, p.(Arg374Gly) has been reported in an individual with HHT (ClinVar). (SP) 0801 - This variant has strong previous evidence of pathogenicity in unrelated individuals with hereditary hemorrhagic telangiectasia and it is also believed to have resulted from a founder effect (ClinVar; PMID: 33919892). (SP) 1002 - This variant has moderate functional evidence supporting abnormal protein function. Mutagenesis studies demonstrated that both p.(Arg374Gln) and p.(Arg374Trp) did not bind to the specific ligand BMP9 (PMID: 20501893). (SP) 1208 -Inheritance information for this variant is not currently available in this individual. (I) Legend: (SP) - Supporting pathogenic, (I) - Information, (SB) - Supporting benign

Ambry Genetics
Classification: Pathogenic for Cardiovascular phenotype. Last evaluated: 2021-11-24. Review status: criteria provided, single submitter. Criteria: Ambry Variant Classification Scheme 2023. Collection method: clinical testing. Allele origin: germline.
Comment: The p.R374Q pathogenic mutation (also known as c.1121G>A), located in coding exon 7 of the ACVRL1 gene, results from a G to A substitution at nucleotide position 1121. The arginine at codon 374 is replaced by glutamine, an amino acid with highly similar properties. This mutation was initially reported in in two possibly related hereditary hemorrhagic telangiectasia (HHT) families and was observed to segregate with disease in both families (Abdalla SA et al. Eur J Hum Genet, 2003 Apr;11:279-87). This mutation has been reported in additional individuals and families with HHT (Fontalba A et al. BMC Med. Genet., 2008 Aug;9:75; Chen YJ et al. Eur J Clin Invest, 2013 Oct;43:1016-24; McDonald J et al. Genet Med, 2020 07;22:1201-1205). The p.R374Q mutation is located in the intracellular kinase domain of the ALK1 protein, and in vitro functional studies showed this mutation had no functional activity in response to BMP9, a ligand for ALK1 (Ricard N et al. Blood, 2010 Sep;116:1604-12). Based on the supporting evidence, this alteration is interpreted as a disease-causing mutation.

Rare Disease Genomics Group, St George's University of London
Classification: Pathogenic for Pulmonary arterial hypertension related to hereditary hemorrhagic telangiectasia. Review status: no assertion criteria provided. Collection method: literature only. Allele origin: germline. Affected: yes. Not counted in ClinVar's aggregate classification.

Literature cited by the submitters: PubMed 12700602 (cited by 5 submitters); PubMed 18285823 (cited by 4 submitters); PubMed 21158752 (cited by 3 submitters); PubMed 25970827 (cited by 4 submitters); PubMed 20501893 (cited by 6 submitters); PubMed 15517393 (cited by 3 submitters); PubMed 17384219 (cited by 3 submitters); PubMed 12843319 (cited by 3 submitters); PubMed 14684682 (cited by 4 submitters); PubMed 23919827 (cited by 4 submitters); PubMed 9245985 (cited by 3billion); PubMed 18673552 (cited by Molecular Genetics, Royal Melbourne Hospital and Ambry Genetics); PubMed 27869117 (cited by Molecular Genetics, Royal Melbourne Hospital); PubMed 31511490 (cited by Molecular Genetics, Royal Melbourne Hospital); PubMed 16282348 (cited by Victorian Clinical Genetics Services, Murdoch Childrens Research Institute); PubMed 16470589 (cited by Victorian Clinical Genetics Services, Murdoch Childrens Research Institute); PubMed 19767588 (cited by Victorian Clinical Genetics Services, Murdoch Childrens Research Institute); PubMed 26176610 (cited by Victorian Clinical Genetics Services, Murdoch Childrens Research Institute); PubMed 33919892 (cited by Victorian Clinical Genetics Services, Murdoch Childrens Research Institute); PubMed 29743074 (cited by Ambry Genetics); PubMed 32300199 (cited by Ambry Genetics).